The following is an entry in ClinVar:

ClinVar aggregate classification (germline): Benign (1 of 4 stars; one submission).

Allele frequency attached by ClinVar (database versions not stated): gnomAD exomes 0.00032; ExAC 0.00042; gnomAD 0.00092; ESP Exome Variant Server 0.00138; 1000 Genomes Project 0.00240.

Submission:

GeneDx
Classification: Benign. Last evaluated: 2014-06-23. Review status: criteria provided, single submitter. Criteria: GeneDx Variant Classification (06012015). Collection method: clinical testing. Allele origin: germline. Affected: yes.
Comment: This variant is considered likely benign or benign based on one or more of the following criteria: it is a conservative change, it occurs at a poorly conserved position in the protein, it is predicted to be benign by multiple in silico algorithms, and/or has population frequency not consistent with disease.

NM_000071.3(CBS):c.*27C>T

Gene: CBS (cystathionine beta-synthase; minus strand). Cytogenetic location: 21q22.3.
Variant type: single nucleotide variant.
Coding change: c.*27C>T on transcript NM_000071.3 (MANE Select); 27 bases downstream of the stop codon, C replaced by T.
Molecular consequence: 3 prime UTR variant. On other transcripts: intron variant (1).
Genome position (GRCh38, 1-based): chr21:43,053,853, G>A on the plus strand (C>T on the coding strand, the complement: CBS is on the minus strand). VCF-style: chr21-43053853-G-A. GRCh37 (hg19) VCF-style: chr21-44473963-G-A.
Other names: c.*27C>T (NM_001178008.3, NM_001320298.2, NM_001321072.1); c.*18+9C>T (NM_001178009.3).
Identifiers: ClinVar variation 212837 (VCV000212837.2), dbSNP rs55646248, ClinGen allele CA321009.